The following is an entry in ClinVar:

ClinVar aggregate classification (germline): Uncertain significance (1 of 4 stars; one submission).

Submission:

Labcorp Genetics (formerly Invitae), Labcorp
Classification: Uncertain significance. Last evaluated: 2023-11-07. Review status: criteria provided, single submitter. Criteria: Invitae Variant Classification Sherloc (09022015). Collection method: clinical testing. Allele origin: germline.
Comment: This sequence change replaces lysine, which is basic and polar, with arginine, which is basic and polar, at codon 249 of the PRDM13 protein (p.Lys249Arg). This variant is not present in population databases (gnomAD no frequency). This variant has not been reported in the literature in individuals affected with PRDM13-related conditions. Algorithms developed to predict the effect of missense changes on protein structure and function output the following: SIFT: "Not Available"; PolyPhen-2: "Benign"; Align-GVGD: "Not Available". The arginine amino acid residue is found in multiple mammalian species, which suggests that this missense change does not adversely affect protein function. In summary, the available evidence is currently insufficient to determine the role of this variant in disease. Therefore, it has been classified as a Variant of Uncertain Significance.

NM_021620.4(PRDM13):c.746A>G (p.Lys249Arg)

Gene: PRDM13 (PR/SET domain 13; plus strand). Cytogenetic location: 6q16.2.
Variant type: single nucleotide variant.
Coding change: c.746A>G on transcript NM_021620.4 (MANE Select); coding-DNA position 746, A replaced by G.
Protein change: p.Lys249Arg; replaces lysine 249 with arginine.
Molecular consequence: missense variant.
Genome position (GRCh38, 1-based): chr6:99,613,381, A>G. VCF-style: chr6-99613381-A-G. GRCh37 (hg19) VCF-style: chr6-100061257-A-G.
Other names: short protein forms K249R.
Identifiers: ClinVar variation 2768827 (VCV002768827.3), dbSNP rs2538545055, ClinGen allele CA365116122.